The following is an entry in ClinVar:

ClinVar aggregate classification (germline): Likely benign. Review status: criteria provided, single submitter (1 of 4 stars). 2 submissions from 2 submitters: Likely benign (1). 1 of the submissions does not count toward it. Last evaluated 2026-08-01.

Conditions:
MAPK8IP3-related disorder. Also called: MAPK8IP3-related condition.

Allele frequency attached by ClinVar (database versions not stated): 1000 Genomes Project 30x 0.00031; ESP Exome Variant Server 0.00039; 1000 Genomes Project 0.00040.
gnomAD v4.1: 1,126 of 1,563,498 alleles (0.072%); highest among the groups gnomAD compares: Admixed American, 0.095%; 2 homozygotes.

Submissions (2):

CeGaT Center for Human Genetics Tuebingen
Classification: Likely benign. Last evaluated: 2026-08-01. Review status: criteria provided, single submitter. Criteria: CeGaT Center For Human Genetics Tuebingen Variant Classification Criteria Version 2. Collection method: clinical testing. Allele origin: germline. Affected: yes. Observed: 9 variant alleles.
Comment: MAPK8IP3: BP4, BP7

PreventionGenetics, part of Exact Sciences
Classification: Likely benign for MAPK8IP3-related condition. Last evaluated: 2020-02-11. Review status: no assertion criteria provided. Collection method: clinical testing. Allele origin: germline. Not counted in ClinVar's aggregate classification.
Comment: This variant is classified as likely benign based on ACMG/AMP sequence variant interpretation guidelines (Richards et al. 2015 PMID: 25741868, with internal and published modifications).

NM_001318852.2(MAPK8IP3):c.1899C>T (p.Asp633=)

Gene: MAPK8IP3 (mitogen-activated protein kinase 8 interacting protein 3; plus strand). Cytogenetic location: 16p13.3.
Variant type: single nucleotide variant.
Coding change: c.1899C>T on transcript NM_001318852.2 (MANE Select); coding-DNA position 1899, C replaced by T.
Protein change: p.Asp633=; no amino-acid change (aspartic acid 633 retained).
Molecular consequence: synonymous variant.
Genome position (GRCh38, 1-based): chr16:1,763,657, C>T. VCF-style: chr16-1763657-C-T. GRCh37 (hg19) VCF-style: chr16-1813658-C-T.
Other names: c.1878C>T, p.Asp626= (NM_001040439.2); c.1896C>T, p.Asp632= (NM_015133.5, NM_033392.3); c.1899C>T (NM_001318852.1).
Identifiers: ClinVar variation 2645921 (VCV002645921.24), dbSNP rs200312072, ClinGen allele CA7817073.